The following is an entry in ClinVar:

NM_001371986.1(UNC80):c.5687C>T (p.Thr1896Met)

Gene: UNC80 (unc-80 homolog, NALCN channel complex subunit; plus strand). Cytogenetic location: 2q34.
Variant type: single nucleotide variant.
Coding change: c.5687C>T on transcript NM_001371986.1 (MANE Select); coding-DNA position 5687, C replaced by T.
Protein change: p.Thr1896Met; replaces threonine 1896 with methionine.
Molecular consequence: missense variant.
Genome position (GRCh38, 1-based): chr2:209,926,867, C>T. VCF-style: chr2-209926867-C-T. GRCh37 (hg19) VCF-style: chr2-210791591-C-T.
Other names: c.5489C>T, p.Thr1830Met (NM_032504.2); c.5474C>T, p.Thr1825Met (NM_182587.4); c.5489C>T (NM_032504.1); short protein forms T1825M, T1830M, T1896M.
Identifiers: ClinVar variation 1473914 (VCV001473914.6), dbSNP rs1223556541, ClinGen allele CA350765105.
Genomic context (GRCh38, chr2:209,926,867, plus strand): 5'-CTGAGAAAAGCACCCTGATTTTGTCTCCCATTTTAGATGAGGAACATACCACTGAACACA[C>T]GCCGAACCACCATGTGCCTCAGCCCCCACAAGCAGTGTTCCCAGCATGCATCTGTGCAGC-3'
Protein context (NP_001358915.1, residues 1886-1906): AEDEEHTTEH[Thr1896Met]PNHHVPQPPQ

ClinVar aggregate classification (germline): Uncertain significance. Review status: criteria provided, multiple submitters, no conflicts (2 of 4 stars). 2 submissions from 2 submitters: Uncertain significance (2). Last evaluated 2022-08-15.

Conditions:
Inborn genetic diseases. Identifiers: MedGen C0950123, MeSH D030342.

Allele frequency attached by ClinVar (database versions not stated): TOPMed 0.00001; gnomAD 0.00002 and 0.00003; gnomAD exomes 0.00002 and 0.00003.
gnomAD v4.1: 31 of 1,552,066 alleles (0.002%); highest among the groups gnomAD compares: East Asian, 0.0049%; no homozygotes.

Submissions (2):

Labcorp Genetics (formerly Invitae), Labcorp
Classification: Uncertain significance. Last evaluated: 2022-08-15. Review status: criteria provided, single submitter. Criteria: Invitae Variant Classification Sherloc (09022015). Collection method: clinical testing. Allele origin: germline.
Comment: This sequence change replaces threonine, which is neutral and polar, with methionine, which is neutral and non-polar, at codon 1830 of the UNC80 protein (p.Thr1830Met). The frequency data for this variant in the population databases is considered unreliable, as metrics indicate poor data quality at this position in the gnomAD database. This variant has not been reported in the literature in individuals affected with UNC80-related conditions. ClinVar contains an entry for this variant (Variation ID: 1473914). Algorithms developed to predict the effect of missense changes on protein structure and function are either unavailable or do not agree on the potential impact of this missense change (SIFT: "Not Available"; PolyPhen-2: "Probably Damaging"; Align-GVGD: "Not Available"). In summary, the available evidence is currently insufficient to determine the role of this variant in disease. Therefore, it has been classified as a Variant of Uncertain Significance.

Ambry Genetics
Classification: Uncertain significance for Inborn genetic diseases. Last evaluated: 2021-06-11. Review status: criteria provided, single submitter. Criteria: Ambry Variant Classification Scheme 2023. Collection method: clinical testing. Allele origin: germline.